The following is an entry in ClinVar:

NM_015047.3(EMC1):c.1612A>G (p.Met538Val)

Genes: EMC1 (ER membrane protein complex subunit 1; minus strand), EMC1-AS1 (EMC1 antisense RNA 1; plus strand). Cytogenetic location: 1p36.13.
Variant type: single nucleotide variant.
Coding change: c.1612A>G on transcript NM_015047.3 (MANE Select); coding-DNA position 1612, A replaced by G.
Protein change: p.Met538Val; replaces methionine 538 with valine.
Molecular consequence: missense variant.
Genome position (GRCh38, 1-based): chr1:19,232,956, T>C on the plus strand (A>G on the coding strand, the complement: EMC1 is on the minus strand). VCF-style: chr1-19232956-T-C. GRCh37 (hg19) VCF-style: chr1-19559450-T-C.
Other names: c.1609A>G, p.Met537Val (NM_001271427.2, NM_001271428.2); c.1546A>G, p.Met516Val (NM_001271429.2); c.1621A>G, p.Met541Val (NM_001375820.1); c.1618A>G, p.Met540Val (NM_001375821.1); short protein forms M541V, M516V, M537V, M538V, M540V.
Identifiers: ClinVar variation 2786758 (VCV002786758.3), dbSNP rs2536732839, ClinGen allele CA338762217.

ClinVar aggregate classification (germline): Uncertain significance (1 of 4 stars; one submission).

Submission:

Labcorp Genetics (formerly Invitae), Labcorp
Classification: Uncertain significance. Last evaluated: 2023-02-25. Review status: criteria provided, single submitter. Criteria: Invitae Variant Classification Sherloc (09022015). Collection method: clinical testing. Allele origin: germline.
Comment: In summary, the available evidence is currently insufficient to determine the role of this variant in disease. Therefore, it has been classified as a Variant of Uncertain Significance. Advanced modeling of protein sequence and biophysical properties (such as structural, functional, and spatial information, amino acid conservation, physicochemical variation, residue mobility, and thermodynamic stability) performed at Invitae indicates that this missense variant is not expected to disrupt EMC1 protein function. This variant has not been reported in the literature in individuals affected with EMC1-related conditions. This variant is not present in population databases (gnomAD no frequency). This sequence change replaces methionine, which is neutral and non-polar, with valine, which is neutral and non-polar, at codon 538 of the EMC1 protein (p.Met538Val).